The following is an entry in ClinVar:

NM_001261826.3(AP3D1):c.906+117C>G

Gene: AP3D1 (adaptor related protein complex 3 subunit delta 1; minus strand). Cytogenetic location: 19p13.3.
Variant type: single nucleotide variant.
Coding change: c.906+117C>G on transcript NM_001261826.3 (MANE Select); 117 bases into the intron after coding-DNA position 906, C replaced by G.
Molecular consequence: intron variant.
Genome position (GRCh38, 1-based): chr19:2,123,713, G>C on the plus strand (C>G on the coding strand, the complement: AP3D1 is on the minus strand). VCF-style: chr19-2123713-G-C. GRCh37 (hg19) VCF-style: chr19-2123712-G-C.
Other names: c.906+117C>G (NM_003938.8, NM_001374799.1).
Identifiers: ClinVar variation 1248398 (VCV001248398.5), dbSNP rs2072305, ClinGen allele CA14651181.

ClinVar aggregate classification (germline): Benign. Review status: criteria provided, multiple submitters, no conflicts (2 of 4 stars). 3 submissions from 3 submitters: Benign (3). Last evaluated 2023-11-12.

Allele frequency attached by ClinVar (database versions not stated): TOPMed 0.25129; gnomAD 0.25491 and 0.25650; 1000 Genomes Project 30x 0.26968; 1000 Genomes Project 0.27656.
gnomAD v4.1: 313,218 of 1,296,736 alleles (24%); highest among the groups gnomAD compares: East Asian, 40%; 39,529 homozygotes.

Submissions (3):

Unidad de Genómica Garrahan, Hospital de Pediatría Garrahan
Classification: Benign. Last evaluated: 2023-11-12. Review status: criteria provided, single submitter. Criteria: ACMG Guidelines, 2015. Collection method: clinical testing. Allele origin: germline. Affected: no. Observed: 19 variant alleles.
Comment: This variant is classified as Benign based on local population frequency. This variant was detected in 20% of patients studied by a panel of primary immunodeficiencies. Number of patients: 19. Only high quality variants are reported.

GeneDx
Classification: Benign. Last evaluated: 2019-05-19. Review status: criteria provided, single submitter. Criteria: GeneDx Variant Classification Process June 2021. Collection method: clinical testing. Allele origin: germline. Affected: yes.

Breakthrough Genomics
Classification: Benign. Review status: criteria provided, single submitter. Criteria: ACMG Guidelines, 2015. Collection method: not provided. Allele origin: germline. Inheritance: Autosomal recessive inheritance. Affected: yes.